The following is an entry in ClinVar:

ClinVar aggregate classification (germline): Pathogenic (1 of 4 stars; one submission).

Conditions:
Hereditary hemorrhagic telangiectasia (HHT). Also called: ORW DISEASE; Osler Weber Rendu syndrome; OSLER-RENDU-WEBER DISEASE; Osler hemorrhagic telangiectasia syndrome. Identifiers: Orphanet 774, MedGen C0039445, MONDO:0019180. Disease mechanism: loss of function.

Submission:

Labcorp Genetics (formerly Invitae), Labcorp
Classification: Pathogenic for Hereditary hemorrhagic telangiectasia. Last evaluated: 2024-05-06. Review status: criteria provided, single submitter. Criteria: Invitae Variant Classification Sherloc (09022015). Collection method: clinical testing. Allele origin: germline.
Comment: This sequence change creates a premature translational stop signal (p.Ser410Profs*11) in the ENG gene. It is expected to result in an absent or disrupted protein product. Loss-of-function variants in ENG are known to be pathogenic (PMID: 15879500). This variant is not present in population databases (gnomAD no frequency). This variant has not been reported in the literature in individuals affected with ENG-related conditions. For these reasons, this variant has been classified as Pathogenic.

Literature cited by the submitters: PubMed 15879500.

NM_001114753.3(ENG):c.1228del (p.Ser410fs)

Genes: ENG (endoglin; minus strand), LOC102723566 (uncharacterized LOC102723566; plus strand). Cytogenetic location: 9q34.11.
Variant type: Deletion.
Coding change: c.1228del on transcript NM_001114753.3 (MANE Select); coding-DNA position 1228, one base deleted (T; older notation c.1228delT).
Protein change: p.Ser410fs; shifts the reading frame from serine 410.
Molecular consequence: frameshift variant.
Genome position (GRCh38, 1-based): chr9:127,819,944, A deleted on the plus strand (T on the coding strand, the reverse complement: ENG is on the minus strand). VCF-style (leftmost placement, unchanged base first): chr9-127819943-GA-G. GRCh37 (hg19) VCF-style: chr9-130582222-GA-G.
Other names: c.1228del, p.Ser410fs (NM_000118.4); c.682del, p.Ser228fs (NM_001278138.2); short protein forms S228fs, S410fs.
Identifiers: ClinVar variation 3652331 (VCV003652331.2).